The following is an entry in ClinVar:

ClinVar aggregate classification (germline): Uncertain significance (1 of 4 stars; one submission).

Allele frequency attached by ClinVar (database versions not stated): TOPMed below 0.00001; ESP Exome Variant Server 0.00008.

Submission:

Labcorp Genetics (formerly Invitae), Labcorp
Classification: Uncertain significance. Last evaluated: 2023-06-11. Review status: criteria provided, single submitter. Criteria: Invitae Variant Classification Sherloc (09022015). Collection method: clinical testing. Allele origin: germline.
Comment: In summary, the available evidence is currently insufficient to determine the role of this variant in disease. Therefore, it has been classified as a Variant of Uncertain Significance. Advanced modeling of protein sequence and biophysical properties (such as structural, functional, and spatial information, amino acid conservation, physicochemical variation, residue mobility, and thermodynamic stability) performed at Invitae indicates that this missense variant is not expected to disrupt SCN3A protein function. This variant has not been reported in the literature in individuals affected with SCN3A-related conditions. This variant is present in population databases (rs376749282, gnomAD 0.007%). This sequence change replaces methionine, which is neutral and non-polar, with threonine, which is neutral and polar, at codon 758 of the SCN3A protein (p.Met758Thr).

NM_006922.4(SCN3A):c.2273T>C (p.Met758Thr)

Gene: SCN3A (sodium voltage-gated channel alpha subunit 3; minus strand). Cytogenetic location: 2q24.3.
Variant type: single nucleotide variant.
Coding change: c.2273T>C on transcript NM_006922.4 (MANE Select); coding-DNA position 2273, T replaced by C.
Protein change: p.Met758Thr; replaces methionine 758 with threonine.
Molecular consequence: missense variant.
Genome position (GRCh38, 1-based): chr2:165,137,997, A>G on the plus strand (T>C on the coding strand, the complement: SCN3A is on the minus strand). VCF-style: chr2-165137997-A-G. GRCh37 (hg19) VCF-style: chr2-165994507-A-G.
Other names: c.2126T>C, p.Met709Thr (NM_001081676.2, NM_001081677.2); short protein forms M758T, M709T.
Identifiers: ClinVar variation 2702476 (VCV002702476.3), dbSNP rs376749282, ClinGen allele CA1938985.